The following is an entry in ClinVar:

NM_080911.3(UNG):c.802-48del

Gene: UNG (uracil DNA glycosylase; plus strand). Cytogenetic location: 12q24.11.
Variant type: Deletion.
Coding change: c.802-48del on transcript NM_080911.3 (MANE Select); 48 bases into the intron before coding-DNA position 802, one base deleted (A; older notation c.802-48delA).
Molecular consequence: intron variant.
Genome position (GRCh38, 1-based): chr12:109,109,781, A deleted; the last of 18 consecutive A bases (chr12:109,109,764-109,109,781); deleting any one gives the same sequence. VCF-style (leftmost placement, unchanged base first): chr12-109109763-CA-C. GRCh37 (hg19) VCF-style: chr12-109547568-CA-C.
Other names: c.775-48del (NM_003362.4).
Identifiers: ClinVar variation 1707290 (VCV001707290.2), dbSNP rs71079524, ClinGen allele CA243407138.

ClinVar aggregate classification (germline): Likely benign (1 of 4 stars; one submission).

Submission:

GeneDx
Classification: Likely benign. Last evaluated: 2021-05-19. Review status: criteria provided, single submitter. Criteria: GeneDx Variant Classification Process June 2021. Collection method: clinical testing. Allele origin: germline. Affected: yes.
Comment: See Variant Classification Assertion Criteria.